The following is an entry in ClinVar:

NM_005876.5(SPEG):c.4730-4C>T

Gene: SPEG (striated muscle enriched protein kinase; plus strand). Cytogenetic location: 2q35.
Variant type: single nucleotide variant.
Coding change: c.4730-4C>T on transcript NM_005876.5 (MANE Select); 4 bases into the intron before coding-DNA position 4730, C replaced by T.
Molecular consequence: intron variant.
Genome position (GRCh38, 1-based): chr2:219,477,685, C>T. VCF-style: chr2-219477685-C-T. GRCh37 (hg19) VCF-style: chr2-220342407-C-T.
Other names: p.?.
Identifiers: ClinVar variation 374594 (VCV000374594.58), dbSNP rs79386296, ClinGen allele CA2126613.
Genomic context (GRCh38, chr2:219,477,685, plus strand): 5'-TCCCAGTCTCTGGCCTGCTTGCTTTCTTCCCCTCCCACCTAACACCATGACATCTCTGCC[C>T]CAGCTCAGACAGCTATGGAGGTCGAGGGGGTCGGGGAGGATGAGGACCATCGAGGAAGGA-3'

ClinVar aggregate classification (germline): Benign/Likely benign. Review status: criteria provided, multiple submitters, no conflicts (2 of 4 stars). 6 submissions from 6 submitters: Benign (2); Likely benign (3). 1 of the submissions does not count toward it. Last evaluated 2026-01-24.

Conditions:
SPEG-related disorder. Also called: SPEG-related condition.

Allele frequency attached by ClinVar (database versions not stated): 1000 Genomes Project 0.00260; gnomAD exomes 0.00293 and 0.00365; ExAC 0.00315; 1000 Genomes Project 30x 0.00328; gnomAD 0.00482 and 0.00537; TOPMed 0.00550; ESP Exome Variant Server 0.00572.
gnomAD v4.1: 5,949 of 1,566,780 alleles (0.38%); highest among the groups gnomAD compares: African/African-American, 0.81%; 9 homozygotes.

Submissions (6):

Labcorp Genetics (formerly Invitae), Labcorp
Classification: Benign. Last evaluated: 2026-01-24. Review status: criteria provided, single submitter. Criteria: Invitae Variant Classification Sherloc (09022015). Collection method: clinical testing. Allele origin: germline.

CeGaT Center for Human Genetics Tuebingen
Classification: Likely benign. Last evaluated: 2025-11-01. Review status: criteria provided, single submitter. Criteria: CeGaT Center For Human Genetics Tuebingen Variant Classification Criteria Version 2. Collection method: clinical testing. Allele origin: germline. Affected: yes. Observed: 5 variant alleles.
Comment: SPEG: BP4, BS2

Blueprint Genetics
Classification: Likely benign. Last evaluated: 2024-11-25. Review status: criteria provided, single submitter. Criteria: ACMG Guidelines, 2015. Collection method: clinical testing. Allele origin: germline.

Mayo Clinic Laboratories, Mayo Clinic
Classification: Benign. Last evaluated: 2020-03-24. Review status: criteria provided, single submitter. Criteria: ACMG Guidelines, 2015. Collection method: clinical testing. Allele origin: germline. Observed: 5 variant alleles.

Genetic Services Laboratory, University of Chicago
Classification: Likely benign. Last evaluated: 2017-12-04. Review status: criteria provided, single submitter. Criteria: ACMG Guidelines, 2015. Collection method: clinical testing. Allele origin: germline. Affected: no.

PreventionGenetics, part of Exact Sciences
Classification: Benign for SPEG-related condition. Last evaluated: 2019-05-31. Review status: no assertion criteria provided. Collection method: clinical testing. Allele origin: germline. Not counted in ClinVar's aggregate classification.
Comment: This variant is classified as benign based on ACMG/AMP sequence variant interpretation guidelines (Richards et al. 2015 PMID: 25741868, with internal and published modifications).